The following is an entry in ClinVar:

ClinVar aggregate classification (germline): Uncertain significance (1 of 4 stars; one submission).

Conditions:
Neurodevelopmental-craniofacial syndrome with variable renal and cardiac abnormalities. Identifiers: MedGen C5561984, MONDO:0859190, OMIM 619522.

Allele frequency attached by ClinVar (database versions not stated): TOPMed below 0.00001.

Submission:

New York Genome Center
Classification: Uncertain significance for Neurodevelopmental-craniofacial syndrome with variable renal and cardiac abnormalities. Last evaluated: 2021-09-26. Review status: criteria provided, single submitter. Criteria: NYGC Assertion Criteria 2020. Collection method: clinical testing. Allele origin: inherited. Observed: 1 heterozygote. Study: CSER-NYCKidSeq.
Comment: The inherited heterozygous c.2252G>A(p.Ser751Asn) missense variant identified in the ZMYM2 gene has not been reported in affected individuals in the literature. This variant is absent from gnomAD(v3) database, suggesting it is not a common benign variant in the populations represented in that database. The variant affects a moderately conserved residue located in the MYM-type-9 (747 – 781aa UniProt) zinc finger motif [PMID: 25133527]. In silico tools provide conflicting predictions about potential pathogenicity of this variant (CADD score = 28.3, REVEL score = 0.22). Based on the available evidence, the inherited heterozygous c.2252G>A(p. Ser751Asn) variant identified in the ZMYM2 gene is reported as a Variant of Uncertain Significance.

NM_197968.4(ZMYM2):c.2252G>A (p.Ser751Asn)

Gene: ZMYM2 (zinc finger MYM-type containing 2; plus strand). Cytogenetic location: 13q12.11.
Variant type: single nucleotide variant.
Coding change: c.2252G>A on transcript NM_197968.4 (MANE Select); coding-DNA position 2252, G replaced by A.
Protein change: p.Ser751Asn; replaces serine 751 with asparagine.
Molecular consequence: missense variant. On other transcripts: non-coding transcript variant (1).
Genome position (GRCh38, 1-based): chr13:20,036,869, G>A. VCF-style: chr13-20036869-G-A. GRCh37 (hg19) VCF-style: chr13-20611009-G-A.
Other names: c.2252G>A, p.Ser751Asn (NM_001190964.4, NM_001190965.4, NM_001353157.2 and 5 more transcripts); c.2057G>A, p.Ser686Asn (NM_001353161.3); c.1991G>A, p.Ser664Asn (NM_001353163.2); short protein forms S664N, S686N, S751N.
Identifiers: ClinVar variation 1701652 (VCV001701652.1), dbSNP rs919732254, ClinGen allele CA246438146.